The following is an entry in ClinVar:

ClinVar aggregate classification (germline): Uncertain significance (1 of 4 stars; one submission).

gnomAD v4.1: 1 of 1,613,136 alleles (0.000062%); highest among the groups gnomAD compares: Non-Finnish European, 0.000085%; no homozygotes.

Submission:

GeneDx
Classification: Uncertain significance. Last evaluated: 2025-03-20. Review status: criteria provided, single submitter. Criteria: GeneDx Variant Classification Process June 2021. Collection method: clinical testing. Allele origin: germline. Affected: yes.
Comment: Not observed at significant frequency in large population cohorts (gnomAD); In silico analysis indicates that this missense variant does not alter protein structure/function; Has not been previously published as pathogenic or benign to our knowledge

NM_194248.3(OTOF):c.3755G>C (p.Arg1252Pro)

Gene: OTOF (otoferlin; minus strand). Cytogenetic location: 2p23.3.
Variant type: single nucleotide variant.
Coding change: c.3755G>C on transcript NM_194248.3 (MANE Select); coding-DNA position 3755, G replaced by C.
Protein change: p.Arg1252Pro; replaces arginine 1252 with proline.
Molecular consequence: missense variant. On other transcripts: intron variant (2).
Genome position (GRCh38, 1-based): chr2:26,472,628, C>G on the plus strand (G>C on the coding strand, the complement: OTOF is on the minus strand). VCF-style: chr2-26472628-C-G. GRCh37 (hg19) VCF-style: chr2-26695496-C-G.
Other names: c.3755G>C, p.Arg1252Pro (NM_001287489.2); c.1685G>C, p.Arg562Pro (NM_194322.3); c.1493-39G>C (NM_194323.3, NM_004802.4); short protein forms R1252P, R562P.
Identifiers: ClinVar variation 4086758 (VCV004086758.1).